The following is an entry in ClinVar:

ClinVar aggregate classification (germline): Uncertain significance (1 of 4 stars; one submission).

Conditions:
Progressive microcephaly-seizures-cortical blindness-developmental delay syndrome. Also called: Seizures, cortical blindness, and microcephaly syndrome. Identifiers: Orphanet 477814, MedGen C5567650, MONDO:0014714, OMIM 616632.
Autosomal dominant nonsyndromic hearing loss 1. Also called: DEAFNESS, AUTOSOMAL DOMINANT 1, WITH OR WITHOUT THROMBOCYTOPENIA; KONIGSMARK SYNDROME. Identifiers: Orphanet 90635, MedGen C1852282, MONDO:0007424, OMIM 124900.

Allele frequency attached by ClinVar (database versions not stated): gnomAD exomes 0.00001.
gnomAD v4.1: 6 of 1,614,236 alleles (0.00037%); highest among the groups gnomAD compares: Non-Finnish European, 0.00051%; no homozygotes.

Submission:

Labcorp Genetics (formerly Invitae), Labcorp
Classification: Uncertain significance for Progressive microcephaly-seizures-cortical blindness-developmental delay syndrome; Autosomal dominant nonsyndromic hearing loss 1. Last evaluated: 2021-07-30. Review status: criteria provided, single submitter. Criteria: Invitae Variant Classification Sherloc (09022015). Collection method: clinical testing. Allele origin: germline.
Comment: In summary, the available evidence is currently insufficient to determine the role of this variant in disease. Therefore, it has been classified as a Variant of Uncertain Significance. Experimental studies and prediction algorithms are not available or were not evaluated, and the functional significance of this variant is currently unknown. This variant has not been reported in the literature in individuals affected with DIAPH1-related conditions. This variant is not present in population databases (ExAC no frequency). This sequence change creates a premature translational stop signal (p.Lys1265*) in the DIAPH1 gene. While this is not anticipated to result in nonsense mediated decay, it is expected to disrupt the last 8 amino acid(s) of the DIAPH1 protein.

NM_005219.5(DIAPH1):c.3793A>T (p.Lys1265Ter)

Gene: DIAPH1 (diaphanous related formin 1; minus strand). Cytogenetic location: 5q31.3.
Variant type: single nucleotide variant.
Coding change: c.3793A>T on transcript NM_005219.5 (MANE Select); coding-DNA position 3793, A replaced by T.
Protein change: p.Lys1265Ter; replaces lysine 1265 with a stop codon.
Molecular consequence: nonsense. On other transcripts: 3 prime UTR variant (1).
Genome position (GRCh38, 1-based): chr5:141,516,877, T>A on the plus strand (A>T on the coding strand, the complement: DIAPH1 is on the minus strand). VCF-style: chr5-141516877-T-A. GRCh37 (hg19) VCF-style: chr5-140896444-T-A.
Other names: c.3766A>T, p.Lys1256Ter (NM_001079812.3); c.*93A>T (NM_001314007.2); short protein forms K1256*, K1265*.
Identifiers: ClinVar variation 1509860 (VCV001509860.6), dbSNP rs2099885770, ClinGen allele CA361571794.